The following is an entry in ClinVar:

ClinVar aggregate classification (germline): Uncertain significance (1 of 4 stars; one submission).

Conditions:
Juvenile polyposis syndrome (JPS). Identifiers: Orphanet 2929, MedGen C0345893, MONDO:0017380, OMIM 174900.

Submission:

Labcorp Genetics (formerly Invitae), Labcorp
Classification: Uncertain significance for Juvenile polyposis syndrome. Last evaluated: 2025-04-17. Review status: criteria provided, single submitter. Criteria: Invitae Variant Classification Sherloc (09022015). Collection method: clinical testing. Allele origin: germline.
Comment: This sequence change replaces lysine, which is basic and polar, with threonine, which is neutral and polar, at codon 333 of the BMPR1A protein (p.Lys333Thr). This variant is not present in population databases (gnomAD no frequency). This variant has not been reported in the literature in individuals affected with BMPR1A-related conditions. Invitae Evidence Modeling of protein sequence and biophysical properties (such as structural, functional, and spatial information, amino acid conservation, physicochemical variation, residue mobility, and thermodynamic stability) indicates that this missense variant is not expected to disrupt BMPR1A protein function with a negative predictive value of 80%. In summary, the available evidence is currently insufficient to determine the role of this variant in disease. Therefore, it has been classified as a Variant of Uncertain Significance.

NM_004329.3(BMPR1A):c.998A>C (p.Lys333Thr)

Gene: BMPR1A (bone morphogenetic protein receptor type 1A; plus strand). Cytogenetic location: 10q23.2.
Variant type: single nucleotide variant.
Coding change: c.998A>C on transcript NM_004329.3 (MANE Select); coding-DNA position 998, A replaced by C.
Protein change: p.Lys333Thr; replaces lysine 333 with threonine.
Molecular consequence: missense variant. On other transcripts: non-coding transcript variant (3).
Genome position (GRCh38, 1-based): chr10:86,919,301, A>C. VCF-style: chr10-86919301-A-C. GRCh37 (hg19) VCF-style: chr10-88679058-A-C.
Other names: c.1073A>C, p.Lys358Thr (NM_001406559.1); c.1046A>C, p.Lys349Thr (NM_001406560.1); c.998A>C, p.Lys333Thr (NM_001406561.1, NM_001406562.1, NM_001406563.1 and 19 more transcripts); c.992A>C, p.Lys331Thr (NM_001406583.1); c.914A>C, p.Lys305Thr (NM_001406584.1, NM_001406585.1, NM_001406586.1 and 2 more transcripts); c.656A>C, p.Lys219Thr (NM_001406589.1); short protein forms K219T, K331T, K333T, K358T, K305T, K349T.
Identifiers: ClinVar variation 4717808 (VCV004717808.1).